The following is an entry in ClinVar:

NM_001330078.2(NRXN1):c.3770G>A (p.Arg1257Gln)

Gene: NRXN1 (neurexin 1; minus strand). Cytogenetic location: 2p16.3.
Variant type: single nucleotide variant.
Coding change: c.3770G>A on transcript NM_001330078.2 (MANE Select); coding-DNA position 3770, G replaced by A.
Protein change: p.Arg1257Gln; replaces arginine 1257 with glutamine.
Molecular consequence: missense variant. On other transcripts: intron variant (8).
Genome position (GRCh38, 1-based): chr2:50,054,993, C>T on the plus strand (G>A on the coding strand, the complement: NRXN1 is on the minus strand). VCF-style: chr2-50054993-C-T. GRCh37 (hg19) VCF-style: chr2-50282131-C-T.
Other names: c.3890G>A, p.Arg1297Gln (NM_001135659.3); c.3746G>A, p.Arg1249Gln (NM_001330077.2, NM_001330082.2); c.3704G>A, p.Arg1235Gln (NM_001330084.2); c.3743G>A, p.Arg1248Gln (NM_001330085.2); c.3770G>A, p.Arg1257Gln (NM_001330086.2); c.665G>A, p.Arg222Gln (NM_001330091.2, NM_001330092.2); c.3767G>A, p.Arg1256Gln (NM_001330093.2); c.3758G>A, p.Arg1253Gln (NM_001330094.2); and 6 more; short protein forms R1249Q, R1256Q, R1257Q, R1235Q, R1248Q, R1253Q, R222Q, R1297Q.
Identifiers: ClinVar variation 651288 (VCV000651288.8), dbSNP rs1573636785, ClinGen allele CA346820107.

ClinVar aggregate classification (germline): Uncertain significance (1 of 4 stars; one submission).

Conditions:
Pitt-Hopkins-like syndrome 2 (PTHSL2). Identifiers: Orphanet 221150, Orphanet 600663, MedGen C3280479, MONDO:0013690, OMIM 614325.

Allele frequency attached by ClinVar (database versions not stated): gnomAD exomes below 0.00001.
gnomAD v4.1: 6 of 1,598,528 alleles (0.00038%); highest among the groups gnomAD compares: Non-Finnish European, 0.00051%; no homozygotes.

Submission:

Labcorp Genetics (formerly Invitae), Labcorp
Classification: Uncertain significance for Pitt-Hopkins-like syndrome 2. Last evaluated: 2025-01-08. Review status: criteria provided, single submitter. Criteria: Invitae Variant Classification Sherloc (09022015). Collection method: clinical testing. Allele origin: germline.
Comment: This sequence change replaces arginine, which is basic and polar, with glutamine, which is neutral and polar, at codon 1297 of the NRXN1 protein (p.Arg1297Gln). This variant is not present in population databases (gnomAD no frequency). This variant has not been reported in the literature in individuals affected with NRXN1-related conditions. ClinVar contains an entry for this variant (Variation ID: 651288). An algorithm developed to predict the effect of missense changes on protein structure and function (PolyPhen-2) suggests that this variant is likely to be disruptive. In summary, the available evidence is currently insufficient to determine the role of this variant in disease. Therefore, it has been classified as a Variant of Uncertain Significance.